The following is an entry in ClinVar:

NM_000207.3(INS):c.188-220C>T

Genes: INS (insulin; minus strand), INS-IGF2 (INS-IGF2 readthrough; minus strand). Cytogenetic location: 11p15.5.
Variant type: single nucleotide variant.
Coding change: c.188-220C>T on transcript NM_000207.3 (MANE Select); 220 bases into the intron before coding-DNA position 188, C replaced by T.
Molecular consequence: intron variant.
Genome position (GRCh38, 1-based): chr11:2,160,217, G>A on the plus strand (C>T on the coding strand, the complement: INS is on the minus strand). VCF-style: chr11-2160217-G-A. GRCh37 (hg19) VCF-style: chr11-2181447-G-A.
Other names: c.187+568C>T (NM_001042376.3); c.188-220C>T (NM_001185097.2, NM_001291897.2, NM_001185098.2).
Identifiers: ClinVar variation 435502 (VCV000435502.7), dbSNP rs561372758, ClinGen allele CA216275616.

ClinVar aggregate classification (germline): Benign/Likely benign. Review status: criteria provided, multiple submitters, no conflicts (2 of 4 stars). 2 submissions from 2 submitters: Benign (1); Likely benign (1). Last evaluated 2016-08-23.

Conditions:
Neonatal insulin-dependent diabetes mellitus. Identifiers: MedGen C3278636, HP:0000857.

Allele frequency attached by ClinVar (database versions not stated): 1000 Genomes Project 30x 0.00062; 1000 Genomes Project 0.00080; gnomAD 0.00111 and 0.00113; TOPMed 0.00157.
gnomAD v4.1: 168 of 152,228 alleles (0.11%); highest among the groups gnomAD compares: Admixed American, 0.35%; no homozygotes.

Submissions (2):

Genetic Services Laboratory, University of Chicago
Classification: Likely benign. Last evaluated: 2016-08-23. Review status: criteria provided, single submitter. Criteria: ACMG Guidelines, 2015. Collection method: clinical testing. Allele origin: germline. Affected: no.

Clinical Genomics, Uppaluri K&H Personalized Medicine Clinic
Classification: Benign for Neonatal insulin-dependent diabetes mellitus. Review status: criteria provided, single submitter. Criteria: K & H Uppaluri Personalized Medicine Clinic Variant Classification & Assertion Criteria_Updated V.1. Collection method: research. Allele origin: unknown.
Comment: Mutations in INS gene can cause early onset diabetes mellitus which is insulin dependent. May have poor response to sulfonylureas, as this mutation can cause beta cell destruction. However no sufficient evidence is found to ascertain the role of this particular variant rs561372758, yet.

Literature cited by the submitters: PubMed 11921414 (cited by Clinical Genomics, Uppaluri K&H Personalized Medicine Clinic); PubMed 25542748 (cited by Clinical Genomics, Uppaluri K&H Personalized Medicine Clinic); PubMed 26101329 (cited by Clinical Genomics, Uppaluri K&H Personalized Medicine Clinic); PubMed 18171712 (cited by Clinical Genomics, Uppaluri K&H Personalized Medicine Clinic).